The following is an entry in ClinVar:

NM_001276270.2(MBD4):c.862dup (p.Val288fs)

Gene: MBD4 (methyl-CpG binding domain 4, DNA glycosylase; minus strand). Cytogenetic location: 3q21.3.
Variant type: Duplication.
Coding change: c.862dup on transcript NM_001276270.2 (MANE Select); coding-DNA position 862, one base duplicated (G; older notation c.862dupG).
Protein change: p.Val288fs; shifts the reading frame from valine 288.
Molecular consequence: frameshift variant. On other transcripts: intron variant (1).
Genome position (GRCh38, 1-based): chr3:129,436,782, C duplicated on the plus strand (G on the coding strand, the reverse complement: MBD4 is on the minus strand). VCF-style (leftmost placement, unchanged base first): chr3-129436781-A-AC. GRCh37 (hg19) VCF-style: chr3-129155624-A-AC.
Other names: c.862dup, p.Val288fs (NM_003925.3, NM_001276271.2, NM_001276272.2); c.247+1026dup (NM_001276273.2); c.862dupG (NM_001276270.2); short protein forms V288fs.
Identifiers: ClinVar variation 4827723 (VCV004827723.1).
Genomic context (GRCh38, chr3:129,436,781, plus strand): 5'-CTGTTTTCTTCACTGGTCACACTGAGGGTCTCACCACATGCTCCAGCATCAGAAATGCAG[A>AC]CAGTTCTATCAAGCTGACTTTTTTGTGCAACAGGTTCACTTTCAGCATCTGCTTTATTAC-3'

ClinVar aggregate classification (germline): Pathogenic (1 of 4 stars; one submission).

Conditions:
Inborn genetic diseases. Identifiers: MedGen C0950123, MeSH D030342.

Submission:

Ambry Genetics
Classification: Pathogenic for Inborn genetic diseases. Last evaluated: 2026-03-02. Review status: criteria provided, single submitter. Criteria: Ambry Variant Classification Scheme 2023. Collection method: clinical testing. Allele origin: germline.
Comment: The c.862dupG variant, located in coding exon 3 of the MBD4 gene, results from a duplication of G at nucleotide position 862, causing a translational frameshift with a predicted alternate stop codon (p.V288Gfs*5). This variant is considered to be rare based on population cohorts in the Genome Aggregation Database (gnomAD). This alteration is expected to result in loss of function by premature protein truncation or nonsense-mediated mRNA decay. As such, this alteration is interpreted as a disease-causing mutation.